The following is an entry in ClinVar:

NM_018076.5(ODAD2):c.1922T>C (p.Leu641Pro)

Gene: ODAD2 (outer dynein arm docking complex subunit 2; minus strand). Cytogenetic location: 10p12.1.
Variant type: single nucleotide variant.
Coding change: c.1922T>C on transcript NM_018076.5 (MANE Select); coding-DNA position 1922, T replaced by C.
Protein change: p.Leu641Pro; replaces leucine 641 with proline.
Molecular consequence: missense variant.
Genome position (GRCh38, 1-based): chr10:27,940,627, A>G on the plus strand (T>C on the coding strand, the complement: ODAD2 is on the minus strand). VCF-style: chr10-27940627-A-G. GRCh37 (hg19) VCF-style: chr10-28229556-A-G.
Other names: c.1922T>C, p.Leu641Pro (NM_001290020.2); c.497T>C, p.Leu166Pro (NM_001290021.2); c.998T>C, p.Leu333Pro (NM_001312689.2); short protein forms L641P, L333P, L166P.
Identifiers: ClinVar variation 241258 (VCV000241258.9), dbSNP rs748101941, ClinGen allele CA5453366.

ClinVar aggregate classification (germline): Uncertain significance. Review status: criteria provided, multiple submitters, no conflicts (2 of 4 stars). 2 submissions from 2 submitters: Uncertain significance (2). Last evaluated 2026-07-11.

Conditions:
Primary ciliary dyskinesia 23 (CILD23). Also called: CILIARY DYSKINESIA, PRIMARY, 23, WITH OR WITHOUT SITUS INVERSUS. Identifiers: Orphanet 244, MedGen C3809548, MONDO:0014193, OMIM 615451.
Primary ciliary dyskinesia. Also called: Ciliary dyskinesia. Identifiers: Orphanet 244, MedGen C0008780, MONDO:0016575, HP:0012265.

Allele frequency attached by ClinVar (database versions not stated): gnomAD exomes 0.00005 and 0.00006; gnomAD 0.00006 and 0.00005; ExAC 0.00007; TOPMed 0.00005.
gnomAD v4.1: 82 of 1,614,044 alleles (0.0051%); highest among the groups gnomAD compares: Non-Finnish European, 0.006%; no homozygotes.

Submissions (2):

Ambry Genetics
Classification: Uncertain significance for Primary ciliary dyskinesia. Last evaluated: 2026-07-11. Review status: criteria provided, single submitter. Criteria: Ambry Variant Classification Scheme 2023. Collection method: clinical testing. Allele origin: germline.
Comment: The p.L641P variant (also known as c.1922T>C), located in coding exon 12 of the ARMC4 gene, results from a T to C substitution at nucleotide position 1922. The leucine at codon 641 is replaced by proline, an amino acid with similar properties. This amino acid position is conserved. In addition, this alteration is predicted to be deleterious by in silico analysis. Based on the available evidence, the clinical significance of this variant remains unclear.

Labcorp Genetics (formerly Invitae), Labcorp
Classification: Uncertain significance for Primary ciliary dyskinesia 23. Last evaluated: 2025-09-30. Review status: criteria provided, single submitter. Criteria: Invitae Variant Classification Sherloc (09022015). Collection method: clinical testing. Allele origin: germline.
Comment: This sequence change replaces leucine, which is neutral and non-polar, with proline, which is neutral and non-polar, at codon 641 of the ARMC4 protein (p.Leu641Pro). This variant is present in population databases (rs748101941, gnomAD 0.01%). This variant has not been reported in the literature in individuals affected with ARMC4-related conditions. ClinVar contains an entry for this variant (Variation ID: 241258). An algorithm developed to predict the effect of missense changes on protein structure and function (PolyPhen-2) suggests that this variant is likely to be disruptive. In summary, the available evidence is currently insufficient to determine the role of this variant in disease. Therefore, it has been classified as a Variant of Uncertain Significance.